The following is an entry in ClinVar:

NM_030662.4(MAP2K2):c.386A>G (p.Tyr129Cys)

Gene: MAP2K2 (mitogen-activated protein kinase kinase 2; minus strand). Cytogenetic location: 19p13.3.
Variant type: single nucleotide variant.
Coding change: c.386A>G on transcript NM_030662.4 (MANE Select); coding-DNA position 386, A replaced by G.
Protein change: p.Tyr129Cys; replaces tyrosine 129 with cysteine.
Molecular consequence: missense variant.
Genome position (GRCh38, 1-based): chr19:4,110,573, T>C on the plus strand (A>G on the coding strand, the complement: MAP2K2 is on the minus strand). VCF-style: chr19-4110573-T-C. GRCh37 (hg19) VCF-style: chr19-4110571-T-C.
Other names: short protein forms Y129C.
Identifiers: ClinVar variation 2763220 (VCV002763220.3), dbSNP rs2145069895, ClinGen allele CA403391464.

ClinVar aggregate classification (germline): Uncertain significance (1 of 4 stars; one submission).

Conditions:
RASopathy. Also called: Noonan spectrum disorder; rasopathies. Identifiers: Orphanet 536391, MedGen C5555857, MONDO:0021060.

Submission:

Labcorp Genetics (formerly Invitae), Labcorp
Classification: Uncertain significance for RASopathy. Last evaluated: 2023-09-25. Review status: criteria provided, single submitter. Criteria: Invitae Variant Classification Sherloc (09022015). Collection method: clinical testing. Allele origin: germline.
Comment: This sequence change replaces tyrosine, which is neutral and polar, with cysteine, which is neutral and slightly polar, at codon 129 of the MAP2K2 protein (p.Tyr129Cys). This variant is not present in population databases (gnomAD no frequency). This variant has not been reported in the literature in individuals affected with MAP2K2-related conditions. Advanced modeling of protein sequence and biophysical properties (such as structural, functional, and spatial information, amino acid conservation, physicochemical variation, residue mobility, and thermodynamic stability) performed at Invitae indicates that this missense variant is expected to disrupt MAP2K2 protein function. In summary, the available evidence is currently insufficient to determine the role of this variant in disease. Therefore, it has been classified as a Variant of Uncertain Significance.